The following is an entry in ClinVar:

NM_032656.4(DHX37):c.1544G>A (p.Arg515Gln)

Gene: DHX37 (DEAH-box helicase 37; minus strand). Cytogenetic location: 12q24.31.
Variant type: single nucleotide variant.
Coding change: c.1544G>A on transcript NM_032656.4 (MANE Select); coding-DNA position 1544, G replaced by A.
Protein change: p.Arg515Gln; replaces arginine 515 with glutamine.
Molecular consequence: missense variant.
Genome position (GRCh38, 1-based): chr12:124,966,839, C>T on the plus strand (G>A on the coding strand, the complement: DHX37 is on the minus strand). VCF-style: chr12-124966839-C-T. GRCh37 (hg19) VCF-style: chr12-125451385-C-T.
Other names: short protein forms R515Q.
Identifiers: ClinVar variation 1700730 (VCV001700730.5), dbSNP rs758254154, ClinGen allele CA6871976.

ClinVar aggregate classification (germline): Uncertain significance. Review status: criteria provided, multiple submitters, no conflicts (2 of 4 stars). 2 submissions from 2 submitters: Uncertain significance (2). Last evaluated 2025-02-14.

Conditions:
Inborn genetic diseases. Identifiers: MedGen C0950123, MeSH D030342.

Allele frequency attached by ClinVar (database versions not stated): TOPMed 0.00002; gnomAD exomes 0.00003 and 0.00004; gnomAD 0.00004 and 0.00007; ExAC 0.00007.
gnomAD v4.1: 58 of 1,614,250 alleles (0.0036%); highest among the groups gnomAD compares: South Asian, 0.031%; 1 homozygote.

Submissions (2):

GeneDx
Classification: Uncertain significance. Last evaluated: 2025-02-14. Review status: criteria provided, single submitter. Criteria: GeneDx Variant Classification Process June 2021. Collection method: clinical testing. Allele origin: germline. Affected: yes.
Comment: In silico analysis indicates that this missense variant does not alter protein structure/function; Has not been previously published as pathogenic or benign to our knowledge

Ambry Genetics
Classification: Uncertain significance for Inborn genetic diseases. Last evaluated: 2024-11-13. Review status: criteria provided, single submitter. Criteria: Ambry Variant Classification Scheme 2023. Collection method: clinical testing. Allele origin: germline.